The following is an entry in ClinVar:

ClinVar aggregate classification (germline): Pathogenic (1 of 4 stars; one submission).

Conditions:
Alstrom syndrome (ALMS). Identifiers: Orphanet 64, MedGen C0268425, MONDO:0008763, OMIM 203800.

Submission:

Labcorp Genetics (formerly Invitae), Labcorp
Classification: Pathogenic for Alstrom syndrome. Last evaluated: 2023-02-13. Review status: criteria provided, single submitter. Criteria: Invitae Variant Classification Sherloc (09022015). Collection method: clinical testing. Allele origin: germline.
Comment: This sequence change creates a premature translational stop signal (p.Val888Serfs*9) in the ALMS1 gene. It is expected to result in an absent or disrupted protein product. Loss-of-function variants in ALMS1 are known to be pathogenic (PMID: 17594715). This variant is not present in population databases (gnomAD no frequency). This variant has not been reported in the literature in individuals affected with ALMS1-related conditions. For these reasons, this variant has been classified as Pathogenic.

Literature cited by the submitters: PubMed 17594715.

NM_001378454.1(ALMS1):c.2658dup (p.Val887fs)

Gene: ALMS1 (ALMS1 centrosome and basal body associated protein; plus strand). Cytogenetic location: 2p13.1.
Variant type: Duplication.
Coding change: c.2658dup on transcript NM_001378454.1 (MANE Select); coding-DNA position 2658, one base duplicated (A; older notation c.2658dupA).
Protein change: p.Val887fs; shifts the reading frame from valine 887.
Molecular consequence: frameshift variant.
Genome position (GRCh38, 1-based): chr2:73,449,185, A duplicated; the last of 3 consecutive A bases (chr2:73,449,183-73,449,185); duplicating any one gives the same sequence. VCF-style (leftmost placement, unchanged base first): chr2-73449182-G-GA. GRCh37 (hg19) VCF-style: chr2-73676309-G-GA.
Other names: c.2661dup, p.Val888fs (NM_015120.4); short protein forms V887fs, V888fs.
Identifiers: ClinVar variation 2836579 (VCV002836579.3), dbSNP rs2466095271, ClinGen allele CA2739271081.